The following is an entry in ClinVar:

NM_001386795.1(DTNA):c.1314G>A (p.Leu438=)

Gene: DTNA (dystrobrevin alpha; plus strand). Cytogenetic location: 18q12.1.
Variant type: single nucleotide variant.
Coding change: c.1314G>A on transcript NM_001386795.1 (MANE Select); coding-DNA position 1314, G replaced by A.
Protein change: p.Leu438=; no amino-acid change (leucine 438 retained).
Molecular consequence: synonymous variant. On other transcripts: intron variant (33).
Genome position (GRCh38, 1-based): chr18:34,838,805, G>A. VCF-style: chr18-34838805-G-A. GRCh37 (hg19) VCF-style: chr18-32418769-G-A.
Other names: c.360G>A, p.Leu120= (NM_001198942.1); c.1314G>A, p.Leu438= (NM_001386788.1); c.1233G>A, p.Leu411= (NM_001390.5, NM_001391.5); c.1224G>A, p.Leu408= (NM_032978.7); c.1095-9491G>A (NM_032975.4, NM_001386761.1, NM_001386762.1 and 1 more transcripts); c.1175+9316G>A (NM_001386754.1, NM_001386755.1, NM_001386760.1 and 5 more transcripts); c.1086-9491G>A (NM_001386763.1, NM_001386764.1, NM_001386768.1 and 13 more transcripts); c.604-13026G>A (NM_001198945.2); and 4 more.
Identifiers: ClinVar variation 4823637 (VCV004823637.4).

ClinVar aggregate classification (germline): Likely benign (1 of 4 stars; one submission).

Submission:

CeGaT Center for Human Genetics Tuebingen
Classification: Likely benign. Last evaluated: 2026-03-01. Review status: criteria provided, single submitter. Criteria: CeGaT Center For Human Genetics Tuebingen Variant Classification Criteria Version 2. Collection method: clinical testing. Allele origin: germline. Affected: yes. Observed: 1 variant allele.
Comment: DTNA: PM2:Supporting, BP4, BP7